The following is an entry in ClinVar:

NM_007294.4(BRCA1):c.3331del (p.Gln1111fs)

Genes: BRCA1 (BRCA1 DNA repair associated; minus strand), LOC126862571 (BRD4-independent group 4 enhancer GRCh37_chr17:41243136-41244335; plus strand). Cytogenetic location: 17q21.31.
Variant type: Deletion.
Coding change: c.3331del on transcript NM_007294.4 (MANE Select); coding-DNA position 3331, one base deleted (C; older notation c.3331delC).
Protein change: p.Gln1111fs; shifts the reading frame from glutamine 1111.
Molecular consequence: frameshift variant. On other transcripts: intron variant (137).
Genome position (GRCh38, 1-based): chr17:43,092,200, G deleted on the plus strand (C on the coding strand, the reverse complement: BRCA1 is on the minus strand). VCF-style (leftmost placement, unchanged base first): chr17-43092199-TG-T. GRCh37 (hg19) VCF-style: chr17-41244216-TG-T.
Other names: 3450delC-ter1116; c.3187del, p.Gln1063fs (NM_001407839.1, NM_001407841.1, NM_001407842.1 and 20 more transcripts); c.3190del, p.Gln1064fs (NM_001407850.1, NM_001407851.1, NM_001407852.1 and 29 more transcripts); c.3118del, p.Gln1040fs (NM_001407853.1, NM_001407894.1, NM_001407895.1 and 9 more transcripts); c.3331del, p.Gln1111fs (NM_001407854.1, NM_001407858.1, NM_001407859.1 and 30 more transcripts); c.3328del, p.Gln1110fs (NM_001407860.1, NM_001407861.1, NM_001407587.1 and 22 more transcripts); c.3130del, p.Gln1044fs (NM_001407862.1); c.3208del, p.Gln1070fs (NM_001407863.1, NM_001407919.1, NM_001407937.1 and 19 more transcripts); and 43 more; short protein forms Q1111fs, Q1064fs, Q1023fs, Q1108fs, Q1110fs, Q999fs, Q1022fs, Q1044fs.
Identifiers: ClinVar variation 266356 (VCV000266356.7), dbSNP rs886040116, ClinGen allele CA10589766.

ClinVar aggregate classification (germline): Pathogenic. Review status: reviewed by expert panel (3 of 4 stars). 2 submissions from 2 submitters: Pathogenic (1). 1 of the submissions does not count toward it. Last evaluated 2016-10-18.

Conditions:
Breast-ovarian cancer, familial, susceptibility to, 1 (BROVCA1). Also called: BRCA1 Hereditary Breast and Ovarian Cancer; OVARIAN CANCER, SUSCEPTIBILITY TO. Identifiers: Orphanet 145, MedGen C2676676, MONDO:0011450, OMIM 604370. Disease mechanism: loss of function.

Submissions (2):

Evidence-based Network for the Interpretation of Germline Mutant Alleles (ENIGMA)
Classification: Pathogenic for Breast-ovarian cancer, familial, susceptibility to, 1. Last evaluated: 2016-10-18. Review status: reviewed by expert panel. Criteria: ENIGMA BRCA1/2 Classification Criteria (2015). Collection method: curation. Allele origin: germline.
Comment: Variant allele predicted to encode a truncated non-functional protein.

Consortium of Investigators of Modifiers of BRCA1/2 (CIMBA), c/o University of Cambridge
Classification: Pathogenic for Breast-ovarian cancer, familial, susceptibility to, 1. Last evaluated: 2015-10-02. Review status: criteria provided, single submitter. Criteria: CIMBA Mutation Classification guidelines May 2016. Collection method: clinical testing. Allele origin: germline. Not counted in ClinVar's aggregate classification.